The following is an entry in ClinVar:

NM_007055.4(POLR3A):c.2349C>G (p.Cys783Trp)

Gene: POLR3A (RNA polymerase III subunit A; minus strand). Cytogenetic location: 10q22.3.
Variant type: single nucleotide variant.
Coding change: c.2349C>G on transcript NM_007055.4 (MANE Select); coding-DNA position 2349, C replaced by G.
Protein change: p.Cys783Trp; replaces cysteine 783 with tryptophan.
Molecular consequence: missense variant.
Genome position (GRCh38, 1-based): chr10:78,002,207, G>C on the plus strand (C>G on the coding strand, the complement: POLR3A is on the minus strand). VCF-style: chr10-78002207-G-C. GRCh37 (hg19) VCF-style: chr10-79761965-G-C.
Other names: short protein forms C783W.
Identifiers: ClinVar variation 4056926 (VCV004056926.1).

ClinVar aggregate classification (germline): Uncertain significance (1 of 4 stars; one submission).

Submission:

GeneDx
Classification: Uncertain significance. Last evaluated: 2025-01-07. Review status: criteria provided, single submitter. Criteria: GeneDx Variant Classification Process June 2021. Collection method: clinical testing. Allele origin: germline. Affected: yes.
Comment: Not observed at significant frequency in large population cohorts (gnomAD); In silico analysis supports that this missense variant has a deleterious effect on protein structure/function; Has not been previously published as pathogenic or benign to our knowledge